The following is an entry in ClinVar:

ClinVar aggregate classification (germline): Likely pathogenic (1 of 4 stars; one submission).

Conditions:
Lethal congenital contracture syndrome 9 (LCCS9). Identifiers: MedGen C4225303, MONDO:0014670, OMIM 616503.

Submission:

Department of Molecular Genetics, Istishari Arab Hospital
Classification: Likely pathogenic for Lethal congenital contracture syndrome 9. Last evaluated: 2026-04-25. Review status: criteria provided, single submitter. Criteria: ACMG Guidelines, 2015. Collection method: clinical testing. Allele origin: germline. Inheritance: Autosomal recessive inheritance. Affected: yes.
Comment: The ADGRG6 variant c.1955+4_1955+7del is a 4 bp deletion in intron 13 that is predicted to disrupt the canonical splice site [SpliceAI: Strong (1)] and thus affects normal protein function. This variant is observed at an extremely low frequency in the gnomAD v4.1.0 dataset (total allele frequency: <0.001%), and has not been previously reported in the literature. Importantly, through personal communication with colleagues at Al-Makassed Hospital, Jerusalem, the same variant was independently identified in the homozygous state in another affected patient with a clinically similar phenotype. Therefore, this variant has been reclassified as likely pathogenic according to the recommendations of ACMG/AMP/ClinGen SVI guidelines.

NM_198569.3(ADGRG6):c.1955+4_1955+7del

Gene: ADGRG6 (adhesion G protein-coupled receptor G6; plus strand). Cytogenetic location: 6q24.2.
Variant type: Microsatellite.
Coding change: c.1955+4_1955+7del on transcript NM_198569.3 (MANE Select); bases 4 to 7 of the intron after coding-DNA position 1955, 4 bases deleted (AGTA; older notation c.1955+4_1955+7delAGTA).
Molecular consequence: splice donor variant.
Genome position (GRCh38, 1-based): chr6:142,402,834-142,402,837, AGTA deleted; deleting any 4 consecutive bases within chr6:142,402,830-142,402,837 gives the same sequence; the c. name uses the placement nearest the transcript's 3' end. VCF-style (leftmost placement, unchanged base first): chr6-142402829-GAGTA-G. GRCh37 (hg19) VCF-style: chr6-142723966-GAGTA-G.
Other names: c.1955+4_1955+7del (NM_020455.6); c.1871+4_1871+7del (NM_001032394.3, NM_001032395.3).
Identifiers: ClinVar variation 4845271 (VCV004845271.2).